The following is an entry in ClinVar:

NM_015910.7(WDPCP):c.1818T>G (p.Ile606Met)

Gene: WDPCP (WD repeat containing planar cell polarity effector; minus strand). Cytogenetic location: 2p15.
Variant type: single nucleotide variant.
Coding change: c.1818T>G on transcript NM_015910.7 (MANE Select); coding-DNA position 1818, T replaced by G.
Protein change: p.Ile606Met; replaces isoleucine 606 with methionine.
Molecular consequence: missense variant. On other transcripts: non-coding transcript variant (2).
Genome position (GRCh38, 1-based): chr2:63,259,404, A>C on the plus strand (T>G on the coding strand, the complement: WDPCP is on the minus strand). VCF-style: chr2-63259404-A-C. GRCh37 (hg19) VCF-style: chr2-63486539-A-C.
Other names: c.1341T>G, p.Ile447Met (NM_001042692.3); c.1746T>G, p.Ile582Met (NM_001354044.2); c.1818T>G (NM_015910.5); short protein forms I447M, I606M, I582M.
Identifiers: ClinVar variation 1903251 (VCV001903251.5), dbSNP rs1473946923, ClinGen allele CA347062554.

ClinVar aggregate classification (germline): Uncertain significance. Review status: criteria provided, multiple submitters, no conflicts (2 of 4 stars). 3 submissions from 3 submitters: Uncertain significance (3). Last evaluated 2025-06-12.

Conditions:
WDPCP-related disorder. Also called: WDPCP-related condition.
Heart defect - tongue hamartoma - polysyndactyly syndrome. Also called: Congenital heart defects, hamartomas of tongue, and polysyndactyly. Identifiers: Orphanet 1338, MedGen C1857587, MONDO:0009008, OMIM 217085.
Bardet-Biedl syndrome 15 (BBS15). Identifiers: Orphanet 110, MedGen C3150127, MONDO:0014443, OMIM 615992.
Bardet-Biedl syndrome (BBS). Identifiers: Orphanet 110, MedGen C0752166, MONDO:0015229.

Allele frequency attached by ClinVar (database versions not stated): TOPMed below 0.00001; gnomAD 0.00001.
gnomAD v4.1: 2 of 1,609,958 alleles (0.00012%); highest among the groups gnomAD compares: African/African-American, 0.0027%; no homozygotes.

Submissions (3):

Labcorp Genetics (formerly Invitae), Labcorp
Classification: Uncertain significance for Bardet-Biedl syndrome. Last evaluated: 2025-06-12. Review status: criteria provided, single submitter. Criteria: Invitae Variant Classification Sherloc (09022015). Collection method: clinical testing. Allele origin: germline.
Comment: This sequence change replaces isoleucine, which is neutral and non-polar, with methionine, which is neutral and non-polar, at codon 606 of the WDPCP protein (p.Ile606Met). This variant is present in population databases (no rsID available, gnomAD 0.01%). This variant has not been reported in the literature in individuals affected with WDPCP-related conditions. ClinVar contains an entry for this variant (Variation ID: 1903251). Invitae Evidence Modeling of protein sequence and biophysical properties (such as structural, functional, and spatial information, amino acid conservation, physicochemical variation, residue mobility, and thermodynamic stability) indicates that this missense variant is expected to disrupt WDPCP protein function with a positive predictive value of 80%. In summary, the available evidence is currently insufficient to determine the role of this variant in disease. Therefore, it has been classified as a Variant of Uncertain Significance.

PreventionGenetics, part of Exact Sciences
Classification: Uncertain significance for WDPCP-related condition. Last evaluated: 2025-04-18. Review status: criteria provided, single submitter. Criteria: ACMG Guidelines, 2015. Collection method: clinical testing. Allele origin: germline.
Comment: The WDPCP c.1818T>G variant is predicted to result in the amino acid substitution p.Ile606Met. To our knowledge, this variant has not been reported in the literature. This variant is reported in 0.011% of alleles in individuals of African descent in gnomAD. At this time, the clinical significance of this variant is uncertain due to the absence of conclusive functional and genetic evidence.

Fulgent Genetics
Classification: Uncertain significance for Heart defect - tongue hamartoma - polysyndactyly syndrome; Bardet-Biedl syndrome 15. Last evaluated: 2024-05-13. Review status: criteria provided, single submitter. Criteria: ACMG Guidelines, 2015. Collection method: clinical testing. Allele origin: germline.